The following continues an entry in ClinVar:

NM_000540.3(RYR1):c.7268T>A (p.Met2423Lys)

Gene: RYR1. ClinVar aggregate classification (germline): Conflicting classifications of pathogenicity. Pathogenic (7); Likely pathogenic (3); Uncertain significance (1).

Submissions 12 to 16 of 16:

Centre for Mendelian Genomics, University Medical Centre Ljubljana
Classification: Pathogenic for EMG abnormality; Lower limb amyotrophy; Clubfoot. Last evaluated: 2016-03-18. Review status: no assertion criteria provided. Collection method: clinical testing. Allele origin: unknown. Affected: yes. Not counted in ClinVar's aggregate classification.

OMIM
Classification: Pathogenic for CONGENITAL MYOPATHY 1B, AUTOSOMAL RECESSIVE. Last evaluated: 2012-06-01. Review status: no assertion criteria provided. Collection method: literature only. Allele origin: germline. Not counted in ClinVar's aggregate classification.

Hong-Tao Li Lab, Institute of Brain Science and Brain-inspired Research, Shandong First Medical University & Shandong Academy of Medical Sciences China
Classification: Pathogenic for King Denborough syndrome. Review status: no assertion criteria provided. Collection method: research. Allele origin: germline. Inheritance: Autosomal dominant inheritance. Affected: yes. Observed: 1 variant allele, 1 heterozygote. Not counted in ClinVar's aggregate classification.
Comment: Observed in affected individuals from a Pakistani neurodevelopmental-disorder research cohort of 263 individuals. Classification assigned using the ACMG/AMP framework. Population-frequency evidence: gnomAD AF 1.989e-05.

RYR1 database
No classification provided. Review status: no classification provided. Collection method: not provided. Allele origin: unknown. Not counted in ClinVar's aggregate classification.

All of Us Research Program, National Institutes of Health
Classification: Uncertain significance for Malignant hyperthermia, susceptibility to, 1. Last evaluated: 2024-09-23. Review status: flagged submission. Criteria: ACMG Guidelines, 2015. Collection method: clinical testing. Allele origin: germline. Inheritance: Autosomal dominant inheritance. Observed: 17 variant alleles, 17 heterozygotes. Not counted in ClinVar's aggregate classification.
Comment: This missense variant replaces methionine with lysine at codon 2423 of the RYR1 protein. Computational prediction suggests that this variant may have deleterious impact on protein structure and function (internally defined REVEL score threshold >= 0.7, PMID: 27666373). To our knowledge, functional studies have not been reported for this variant. This variant has not been reported in individuals affected with autosomal dominant malignant hyperthermia in the literature, although it is associated with other phenotype(s) (ClinVar variation ID: 12989). This variant has been identified in 5/251410 chromosomes in the general population by the Genome Aggregation Database (gnomAD). Due to insufficient evidence, this variant is classified as a Variant of Uncertain Significance for autosomal dominant malignant hyperthermia.

This study involves interpretation of variants in research participants for the purpose of population health screening. Participant phenotype was not available at the time of variant classification. Additional details can be found in publication PMID: 35346344, PMCID: PMC8962531
ClinVar note: Reason: Unnecessary conflicting claim for distinct condition when other classifications are more relevant

Literature cited by the submitters: PubMed 17033962 (cited by 3 submitters); PubMed 18253926 (cited by Labcorp Genetics (formerly Invitae), Labcorp and Laboratory for Molecular Medicine, Mass General Brigham Personalized Medicine); PubMed 21911697 (cited by Labcorp Genetics (formerly Invitae), Labcorp); PubMed 30611313 (cited by Labcorp Genetics (formerly Invitae), Labcorp and Laboratory for Molecular Medicine, Mass General Brigham Personalized Medicine); PubMed 17483490 (cited by Laboratory for Molecular Medicine, Mass General Brigham Personalized Medicine and Dasa); PubMed 16380615 (cited by 3 submitters); PubMed 17365175 (cited by Laboratory for Molecular Medicine, Mass General Brigham Personalized Medicine and Dasa); PubMed 22473935 (cited by Laboratory for Molecular Medicine, Mass General Brigham Personalized Medicine and OMIM); PubMed 7299413 (cited by Laboratory for Molecular Medicine, Mass General Brigham Personalized Medicine and OMIM).